The following is an entry in ClinVar:

ClinVar aggregate classification (germline): Conflicting classifications of pathogenicity. Review status: criteria provided, conflicting classifications (1 of 4 stars). 5 submissions from 5 submitters: Uncertain significance (4); Likely benign (1). Last evaluated 2024-12-02.

Conditions:
Inborn genetic diseases. Identifiers: MedGen C0950123, MeSH D030342.
Retinal dystrophy. Also called: Inherited retinal dystrophy. Identifiers: Orphanet 71862, MedGen C0854723, MeSH D058499, MONDO:0019118, HP:0000556.
Retinitis pigmentosa (RP). Identifiers: Orphanet 791, MedGen C0035334, MeSH D012174, MONDO:0019200, OMIM 268000. Inheritance: Autosomal dominant, autosomal recessive and X linked inheritance.

Allele frequency attached by ClinVar (database versions not stated): gnomAD 0.00002 and 0.00004; TOPMed 0.00003.
gnomAD v4.1: 69 of 1,613,810 alleles (0.0043%); highest among the groups gnomAD compares: East Asian, 0.082%; no homozygotes.

Submissions (5):

Labcorp Genetics (formerly Invitae), Labcorp
Classification: Uncertain significance. Last evaluated: 2024-12-02. Review status: criteria provided, single submitter. Criteria: Invitae Variant Classification Sherloc (09022015). Collection method: clinical testing. Allele origin: germline.
Comment: This sequence change replaces proline, which is neutral and non-polar, with leucine, which is neutral and non-polar, at codon 1135 of the PCARE protein (p.Pro1135Leu). This variant is present in population databases (rs756152942, gnomAD 0.05%). This variant has not been reported in the literature in individuals affected with PCARE-related conditions. ClinVar contains an entry for this variant (Variation ID: 894834). An algorithm developed to predict the effect of missense changes on protein structure and function outputs the following: PolyPhen-2: "Benign". The leucine amino acid residue is found in multiple mammalian species, which suggests that this missense change does not adversely affect protein function. In summary, the available evidence is currently insufficient to determine the role of this variant in disease. Therefore, it has been classified as a Variant of Uncertain Significance.

Dept Of Ophthalmology, Nagoya University
Classification: Likely benign for Retinal dystrophy. Last evaluated: 2023-10-01. Review status: criteria provided, single submitter. Criteria: Submitter's publication. Collection method: research. Allele origin: germline. Affected: yes.

Blueprint Genetics
Classification: Uncertain significance. Last evaluated: 2022-06-24. Review status: criteria provided, single submitter. Criteria: ACMG Guidelines, 2015. Collection method: clinical testing. Allele origin: germline.

Ambry Genetics
Classification: Uncertain significance for Inborn genetic diseases. Last evaluated: 2021-10-05. Review status: criteria provided, single submitter. Criteria: Ambry Variant Classification Scheme 2023. Collection method: clinical testing. Allele origin: germline.

Illumina Laboratory Services, Illumina
Classification: Uncertain significance for Retinitis pigmentosa. Last evaluated: 2018-01-12. Review status: criteria provided, single submitter. Criteria: ICSL Variant Classification Criteria 13 December 2019. Collection method: clinical testing. Allele origin: germline.

NM_001029883.3(PCARE):c.3404C>T (p.Pro1135Leu)

Gene: PCARE (photoreceptor cilium actin regulator; minus strand). Cytogenetic location: 2p23.2.
Variant type: single nucleotide variant.
Coding change: c.3404C>T on transcript NM_001029883.3 (MANE Select); coding-DNA position 3404, C replaced by T.
Protein change: p.Pro1135Leu; replaces proline 1135 with leucine.
Molecular consequence: missense variant.
Genome position (GRCh38, 1-based): chr2:29,070,858, G>A on the plus strand (C>T on the coding strand, the complement: PCARE is on the minus strand). VCF-style: chr2-29070858-G-A. GRCh37 (hg19) VCF-style: chr2-29293724-G-A.
Other names: c.3404C>T (NM_001029883.1); short protein forms P1135L.
Identifiers: ClinVar variation 894834 (VCV000894834.14), dbSNP rs756152942, ClinGen allele CA1591945.